The following is an entry in ClinVar:

NM_001143979.2(NDE1):c.-545A>G

Gene: NDE1 (nudE neurodevelopment protein 1; plus strand). Cytogenetic location: 16p13.11.
Variant type: single nucleotide variant.
Coding change: c.-545A>G on transcript NM_001143979.2; 545 bases upstream of the start codon, A replaced by G.
Molecular consequence: 5 prime UTR variant.
Genome position (GRCh38, 1-based): chr16:15,643,548, A>G. VCF-style: chr16-15643548-A-G. GRCh37 (hg19) VCF-style: chr16-15737405-A-G.
Identifiers: ClinVar variation 318022 (VCV000318022.8), dbSNP rs77774475, ClinGen allele CA10647882.
Genomic context (GRCh38, chr16:15,643,548, plus strand): 5'-GATTTAATAGAATTCAGCTCTTTCAGGCTTTGGAGGGAAGGCGATTTGAACGGGATTTCA[A>G]TGAAAAACCCTGTCCCTTCGGCTTTTTTTTTTTCCTCTCTCGGGTCTCGTCACGTGATGG-3'

ClinVar aggregate classification (germline): Benign. Review status: criteria provided, multiple submitters, no conflicts (2 of 4 stars). 2 submissions from 2 submitters: Benign (2). Last evaluated 2018-01-12.

Conditions:
Lissencephaly 4 (LIS4). Also called: Lissencephaly 4 (with microcephaly). Identifiers: Orphanet 1083, MedGen C3151461, MONDO:0013527, OMIM 614019.

Allele frequency attached by ClinVar (database versions not stated): gnomAD exomes 0.00072; TOPMed 0.00233; 1000 Genomes Project 0.01058; gnomAD 0.00124 and 0.00188; 1000 Genomes Project 30x 0.00906.
gnomAD v4.1: 436 of 354,164 alleles (0.12%); highest among the groups gnomAD compares: East Asian, 5.1%; 9 homozygotes.

Submissions (2):

Illumina Laboratory Services, Illumina
Classification: Benign for Lissencephaly 4. Last evaluated: 2018-01-12. Review status: criteria provided, single submitter. Criteria: ICSL Variant Classification Criteria 13 December 2019. Collection method: clinical testing. Allele origin: germline.
Comment: This variant was observed in the ICSL laboratory as part of a predisposition screen in an ostensibly healthy population. It had not been previously curated by ICSL or reported in the Human Gene Mutation Database (HGMD: prior to June 1st, 2018), and was therefore a candidate for classification through an automated scoring system. Utilizing variant allele frequency, disease prevalence and penetrance estimates, and inheritance mode, an automated score was calculated to assess if this variant is too frequent to cause the disease. Based on the score and internal cut-off values, a variant classified as benign is not then subjected to further curation. The score for this variant resulted in a classification of benign for this disease.

Breakthrough Genomics
Classification: Benign. Review status: criteria provided, single submitter. Criteria: ACMG Guidelines, 2015. Collection method: not provided. Allele origin: germline. Inheritance: Autosomal recessive inheritance. Affected: yes.